The following is an entry in ClinVar:

ClinVar aggregate classification (germline): Uncertain significance. Review status: criteria provided, multiple submitters, no conflicts (2 of 4 stars). 2 submissions from 2 submitters: Uncertain significance (2). Last evaluated 2025-02-28.

Conditions:
Inborn genetic diseases. Identifiers: MedGen C0950123, MeSH D030342.

Allele frequency attached by ClinVar (database versions not stated): gnomAD exomes below 0.00001 and 0.00001; gnomAD 0.00001; TOPMed 0.00002.

Submissions (2):

Ambry Genetics
Classification: Uncertain significance for Inborn genetic diseases. Last evaluated: 2025-02-28. Review status: criteria provided, single submitter. Criteria: Ambry Variant Classification Scheme 2023. Collection method: clinical testing. Allele origin: germline.

Labcorp Genetics (formerly Invitae), Labcorp
Classification: Uncertain significance. Last evaluated: 2020-07-10. Review status: criteria provided, single submitter. Criteria: Invitae Variant Classification Sherloc (09022015). Collection method: clinical testing. Allele origin: germline.
Comment: This sequence change replaces threonine with alanine at codon 704 of the FRMD7 protein (p.Thr704Ala). The threonine residue is moderately conserved and there is a small physicochemical difference between threonine and alanine. This variant is not present in population databases (ExAC no frequency). This variant has not been reported in the literature in individuals with FRMD7-related conditions. Algorithms developed to predict the effect of missense changes on protein structure and function are either unavailable or do not agree on the potential impact of this missense change (SIFT: "Tolerated"; PolyPhen-2: "Probably Damaging"; Align-GVGD: "Class C0"). In summary, the available evidence is currently insufficient to determine the role of this variant in disease. Therefore, it has been classified as a Variant of Uncertain Significance.

NM_194277.3(FRMD7):c.2110A>G (p.Thr704Ala)

Gene: FRMD7 (FERM domain containing 7; minus strand). Cytogenetic location: Xq26.2.
Variant type: single nucleotide variant.
Coding change: c.2110A>G on transcript NM_194277.3 (MANE Select); coding-DNA position 2110, A replaced by G.
Protein change: p.Thr704Ala; replaces threonine 704 with alanine.
Molecular consequence: missense variant.
Genome position (GRCh38, 1-based): chrX:132,077,907, T>C on the plus strand (A>G on the coding strand, the complement: FRMD7 is on the minus strand). VCF-style: chrX-132077907-T-C. GRCh37 (hg19) VCF-style: chrX-131211935-T-C.
Other names: c.2065A>G, p.Thr689Ala (NM_001306193.2); c.2110A>G (NM_194277.2); short protein forms T689A, T704A.
Identifiers: ClinVar variation 1019929 (VCV001019929.9), dbSNP rs1428181347, ClinGen allele CA414677582.
Genomic context (GRCh38, chrX:132,077,907, plus strand): 5'-CAGAAATGTCCATAGGTTCACACTTTTAAGCTAAAAAGTAATTACATGGTTTTAGTGAAG[T>C]CCTGTCTTCAGCAGTTGGTGTGTTGAAATAAGCATCTTCATCTTCTTCATCTAACTGTAG-3'
Protein context (NP_919253.1, residues 694-714): YFNTPTAEDR[Thr704Ala]SLKPCNYFLA